The following is an entry in ClinVar:

NM_000257.4(MYH7):c.4156C>G (p.Leu1386Val)

Gene: MYH7 (myosin heavy chain 7; minus strand). Cytogenetic location: 14q11.2.
Variant type: single nucleotide variant.
Coding change: c.4156C>G on transcript NM_000257.4 (MANE Select); coding-DNA position 4156, C replaced by G.
Protein change: p.Leu1386Val; replaces leucine 1386 with valine.
Molecular consequence: missense variant.
Genome position (GRCh38, 1-based): chr14:23,418,223, G>C on the plus strand (C>G on the coding strand, the complement: MYH7 is on the minus strand). VCF-style: chr14-23418223-G-C. GRCh37 (hg19) VCF-style: chr14-23887432-G-C.
Other names: c.4156C>G, p.Leu1386Val (NM_001407004.1); short protein forms L1386V.
Identifiers: ClinVar variation 2448059 (VCV002448059.4), dbSNP rs727504703, ClinGen allele CA389040746.
Genomic context (GRCh38, chr14:23,418,223, plus strand): 5'-TGCCTGCAAAGGGGCCTCAGCCAGAAGTCAGGCTGCTCAGAACTCACTTGGCCTCCTCGA[G>C]CTCCTCAGTCCGCTGAATGGCGTCCGTCTCATACTTGGTCCTCCACTGGGCCACCTCCGA-3'
Protein context (NP_000248.2, residues 1376-1396): ETDAIQRTEE[Leu1386Val]EEAKKKLAQR

ClinVar aggregate classification (germline): Uncertain significance. Review status: criteria provided, multiple submitters, no conflicts (2 of 4 stars). 2 submissions from 2 submitters: Uncertain significance (2). Last evaluated 2025-02-14.

Conditions:
Hypertrophic cardiomyopathy 1 (CMH1). Also called: Familial hypertrophic cardiomyopathy 1; MYH7-Related Familial Hypertrophic Cardiomyopathy. Identifiers: MedGen C3495498, MONDO:0008647, OMIM 192600.
Cardiovascular phenotype. Identifiers: MedGen CN230736.

Submissions (2):

3billion
Classification: Uncertain significance for Hypertrophic cardiomyopathy 1. Last evaluated: 2025-02-14. Review status: criteria provided, single submitter. Criteria: ACMG Guidelines, 2015. Collection method: clinical testing. Allele origin: germline. Affected: yes.
Comment: The variant is not observed in the gnomAD v4.1.0 dataset. Predicted Consequence/Location: Missense variant In silico tool predictions suggest damaging effect of the variant on gene or gene product [REVEL: 0.67 (>=0.6, sensitivity 0.68 and specificity 0.92); 3Cnet: 0.95 (>=0.6, sensitivity 0.72 and precision 0.9)]. A different missense change at the same codon (p.Leu1386Phe) has been reported to be associated with MYH7-related disorder (ClinVar ID: VCV000179201 /PMID: 27532257). However the evidence of pathogenicity is insufficient at this time. Therefore, this variant is classified as VUS according to the recommendation of ACMG/AMP guideline.

Ambry Genetics
Classification: Uncertain significance for Cardiovascular phenotype. Last evaluated: 2022-11-18. Review status: criteria provided, single submitter. Criteria: Ambry Variant Classification Scheme 2023. Collection method: clinical testing. Allele origin: germline.
Comment: The p.L1386V variant (also known as c.4156C>G), located in coding exon 28 of the MYH7 gene, results from a C to G substitution at nucleotide position 4156. The leucine at codon 1386 is replaced by valine, an amino acid with highly similar properties. This amino acid position is highly conserved in available vertebrate species. In addition, the in silico prediction for this alteration is inconclusive. Since supporting evidence is limited at this time, the clinical significance of this alteration remains unclear.

Literature cited by the submitters: PubMed 27532257 (cited by 3billion).